The following is an entry in ClinVar:

ClinVar aggregate classification (germline): Uncertain significance (1 of 4 stars; one submission).

Conditions:
Nemaline myopathy 2 (NEM2). Also called: Nemaline myopathy 2, autosomal recessive. Identifiers: MedGen C1850569, MONDO:0009725, OMIM 256030.

Submission:

Labcorp Genetics (formerly Invitae), Labcorp
Classification: Uncertain significance for Nemaline myopathy 2. Last evaluated: 2023-07-10. Review status: criteria provided, single submitter. Criteria: Invitae Variant Classification Sherloc (09022015). Collection method: clinical testing. Allele origin: germline.
Comment: This sequence change replaces serine, which is neutral and polar, with cysteine, which is neutral and slightly polar, at codon 4005 of the NEB protein (p.Ser4005Cys). In summary, the available evidence is currently insufficient to determine the role of this variant in disease. Therefore, it has been classified as a Variant of Uncertain Significance. Experimental studies and prediction algorithms are not available or were not evaluated, and the functional significance of this variant is currently unknown. ClinVar contains an entry for this variant (Variation ID: 2128667). This variant has not been reported in the literature in individuals affected with NEB-related conditions. This variant is not present in population databases (gnomAD no frequency).

NM_001164508.2(NEB):c.12013A>T (p.Ser4005Cys)

Gene: NEB (nebulin; minus strand). Cytogenetic location: 2q23.3.
Variant type: single nucleotide variant.
Coding change: c.12013A>T on transcript NM_001164508.2 (MANE Select); coding-DNA position 12013, A replaced by T.
Protein change: p.Ser4005Cys; replaces serine 4005 with cysteine.
Molecular consequence: missense variant.
Genome position (GRCh38, 1-based): chr2:151,610,521, T>A on the plus strand (A>T on the coding strand, the complement: NEB is on the minus strand). VCF-style: chr2-151610521-T-A. GRCh37 (hg19) VCF-style: chr2-152467035-T-A.
Other names: c.12013A>T, p.Ser4005Cys (NM_001164507.2, NM_001271208.2); c.11284A>T, p.Ser3762Cys (NM_004543.5); short protein forms S4005C, S3762C.
Identifiers: ClinVar variation 2128667 (VCV002128667.4), dbSNP rs2552227799, ClinGen allele CA348778001.
Genomic context (GRCh38, chr2:151,610,521, plus strand): 5'-CTCTGGGTTGTTCAGCACAGTGGAGACCACAGAGAGTTAGATGGAAGGTACTCACGTCAC[T>A]GGCGATGTCCCTGGAGGCCTTGGCACTTTTGATGGAAATAGCATCTGCTCTCAGATCATA-3'
Protein context (NP_001157980.2, residues 3995-4015): KSAKASRDIA[Ser4005Cys]DYKYKEAYEK